The following is an entry in ClinVar:

ClinVar aggregate classification (germline): Uncertain significance (1 of 4 stars; one submission).

Conditions:
Early-infantile DEE. Also called: Early infantile epileptic encephalopathy; Early infantile epileptic encephalopathy with suppression bursts; Ohtahara syndrome. Identifiers: Orphanet 1934, MedGen C0393706, MONDO:0800491.

Submission:

Labcorp Genetics (formerly Invitae), Labcorp
Classification: Uncertain significance for Early-infantile DEE. Last evaluated: 2020-02-14. Review status: criteria provided, single submitter. Criteria: Invitae Variant Classification Sherloc (09022015). Collection method: clinical testing. Allele origin: germline.
Comment: In summary, the available evidence is currently insufficient to determine the role of this variant in disease. Therefore, it has been classified as a Variant of Uncertain Significance. Nucleotide substitutions within the consensus splice site are a relatively common cause of aberrant splicing (PMID: 17576681, 9536098). Algorithms developed to predict the effect of sequence changes on RNA splicing suggest that this variant may disrupt the consensus splice site, but this prediction has not been confirmed by published transcriptional studies. This variant has not been reported in the literature in individuals with SCN1A-related conditions. This variant is not present in population databases (ExAC no frequency). This sequence change falls in intron 13 of the SCN1A gene. It does not directly change the encoded amino acid sequence of the SCN1A protein, but it affects a nucleotide within the consensus splice site of the intron.

Literature cited by the submitters: PubMed 17576681; PubMed 9536098.

NM_001165963.4(SCN1A):c.2415+3_2415+24del

Gene: SCN1A (sodium voltage-gated channel alpha subunit 1; minus strand). Cytogenetic location: 2q24.3.
Variant type: Deletion.
Coding change: c.2415+3_2415+24del on transcript NM_001165963.4 (MANE Select); bases 3 to 24 of the intron after coding-DNA position 2415, 22 bases deleted (AAGCATATTGGAAGGTAAATGT).
Molecular consequence: splice donor variant.
Genome position (GRCh38, 1-based): chr2:166,041,207-166,041,228, ACATTTACCTTCCAATATGCTT deleted on the plus strand (AAGCATATTGGAAGGTAAATGT on the coding strand, the reverse complement: SCN1A is on the minus strand); deleting any 22 consecutive bases within chr2:166,041,207-166,041,230 gives the same sequence; the c. name uses the placement nearest the transcript's 3' end. VCF-style (leftmost placement, unchanged base first): chr2-166041206-CACATTTACCTTCCAATATGCTT-C. GRCh37 (hg19) VCF-style: chr2-166897716-CACATTTACCTTCCAATATGCTT-C.
Other names: c.2382+3_2382+24del (NM_001353949.2, NM_001353950.2, NM_001353951.2 and 2 more transcripts); c.2331+3_2331+24del (NM_001353958.2, NM_001353957.2, NM_001165964.3); c.2415+3_2415+24del (NM_001202435.3, NM_001353948.2); c.2379+3_2379+24del (NM_001353955.2, NM_001353954.2); c.2328+3_2328+24del (NM_001353960.2); c.-41_-28+8del (NM_001353961.2).
Identifiers: ClinVar variation 461251 (VCV000461251.9), dbSNP rs1553543127, ClinGen allele CA658657108.
Genomic context (GRCh38, chr2:166,041,206, plus strand): 5'-AAGACTGCTATACACAATTAAATGTAAACAGTTTTTCAAGCAGAAAATTTGAAGACTAAA[CACATTTACCTTCCAATATGCTT>C]ACCAAGTTTCCTACTGTAAGCACATTATTGAAATGGTCCGTCATTGGATAGTGCTCCATG-3'